The following is an entry in ClinVar:

ClinVar aggregate classification (germline): Uncertain significance (1 of 4 stars; one submission).

Submission:

Ambry Genetics
Classification: Uncertain significance. Last evaluated: 2025-11-26. Review status: criteria provided, single submitter. Criteria: Ambry Variant Classification Scheme 2023. Collection method: clinical testing. Allele origin: germline.
Comment: The p.V282L variant (also known as c.844G>T), located in coding exon 4 of the PALLD gene, results from a G to T substitution at nucleotide position 844. The valine at codon 282 is replaced by leucine, an amino acid with highly similar properties. This amino acid position is conserved. In addition, this alteration is predicted to be tolerated by in silico analysis. Based on the available evidence, the clinical significance of this variant remains unclear.

NM_001166108.2(PALLD):c.2356G>T (p.Val786Leu)

Genes: CBR4 (carbonyl reductase 4; minus strand), PALLD (palladin, cytoskeletal associated protein; plus strand). Cytogenetic location: 4q32.3.
Variant type: single nucleotide variant.
Coding change: c.2356G>T on transcript NM_001166108.2 (MANE Select); coding-DNA position 2356, G replaced by T.
Protein change: p.Val786Leu; replaces valine 786 with leucine.
Molecular consequence: missense variant.
Genome position (GRCh38, 1-based): chr4:168,898,598, G>T. VCF-style: chr4-168898598-G-T. GRCh37 (hg19) VCF-style: chr4-169819749-G-T.
Other names: c.1159G>T, p.Val387Leu (NM_001166109.2); c.844G>T, p.Val282Leu (NM_001166110.2); c.184G>T, p.Val62Leu (NM_001367567.1, NM_001367569.1); c.235G>T, p.Val79Leu (NM_001367568.1, NM_001367570.1); c.2305G>T, p.Val769Leu (NM_016081.4); short protein forms V62L, V786L, V282L, V387L, V79L, V769L.
Identifiers: ClinVar variation 4564193 (VCV004564193.1).